The following is an entry in ClinVar:

ClinVar aggregate classification (germline): Uncertain significance. Review status: criteria provided, multiple submitters, no conflicts (2 of 4 stars). 2 submissions from 2 submitters: Uncertain significance (2). Last evaluated 2024-12-16.

Conditions:
Spastic paraplegia. Identifiers: MedGen C0037772, HP:0001258.

Allele frequency attached by ClinVar (database versions not stated): gnomAD exomes 0.00022 and 0.00017; ExAC 0.00014; ESP Exome Variant Server 0.00015; TOPMed 0.00016; gnomAD 0.00017 and 0.00019.

Submissions (2):

Labcorp Genetics (formerly Invitae), Labcorp
Classification: Uncertain significance for Spastic paraplegia. Last evaluated: 2024-12-16. Review status: criteria provided, single submitter. Criteria: Invitae Variant Classification Sherloc (09022015). Collection method: clinical testing. Allele origin: germline.
Comment: This sequence change replaces aspartic acid, which is acidic and polar, with asparagine, which is neutral and polar, at codon 127 of the ARSI protein (p.Asp127Asn). This variant is present in population databases (rs201857076, gnomAD 0.03%). This variant has not been reported in the literature in individuals affected with ARSI-related conditions. ClinVar contains an entry for this variant (Variation ID: 1356168). Invitae Evidence Modeling of protein sequence and biophysical properties (such as structural, functional, and spatial information, amino acid conservation, physicochemical variation, residue mobility, and thermodynamic stability) indicates that this missense variant is not expected to disrupt ARSI protein function with a negative predictive value of 80%. In summary, the available evidence is currently insufficient to determine the role of this variant in disease. Therefore, it has been classified as a Variant of Uncertain Significance.

Ambry Genetics
Classification: Uncertain significance. Last evaluated: 2024-08-19. Review status: criteria provided, single submitter. Criteria: Ambry Variant Classification Scheme 2023. Collection method: clinical testing. Allele origin: germline.

NM_001012301.4(ARSI):c.379G>A (p.Asp127Asn)

Gene: ARSI (arylsulfatase family member I; minus strand). Cytogenetic location: 5q32.
Variant type: single nucleotide variant.
Coding change: c.379G>A on transcript NM_001012301.4 (MANE Select); coding-DNA position 379, G replaced by A.
Protein change: p.Asp127Asn; replaces aspartic acid 127 with asparagine.
Molecular consequence: missense variant.
Genome position (GRCh38, 1-based): chr5:150,298,545, C>T on the plus strand (G>A on the coding strand, the complement: ARSI is on the minus strand). VCF-style: chr5-150298545-C-T. GRCh37 (hg19) VCF-style: chr5-149678108-C-T.
Other names: c.379G>A (NM_001012301.2); short protein forms D127N.
Identifiers: ClinVar variation 1356168 (VCV001356168.10), dbSNP rs201857076, ClinGen allele CA3510347.